The following is an entry in ClinVar:

NM_014476.6(PDLIM3):c.398+5T>G

Genes: PDLIM3 (PDZ and LIM domain 3; minus strand), LOC126807246 (BRD4-independent group 4 enhancer GRCh37_chr4:186434842-186436041; plus strand). Cytogenetic location: 4q35.1.
Variant type: single nucleotide variant.
Coding change: c.398+5T>G on transcript NM_014476.6 (MANE Select); 5 bases into the intron after coding-DNA position 398, T replaced by G.
Molecular consequence: intron variant.
Genome position (GRCh38, 1-based): chr4:185,514,265, A>C on the plus strand (T>G on the coding strand, the complement: PDLIM3 is on the minus strand). VCF-style: chr4-185514265-A-C. GRCh37 (hg19) VCF-style: chr4-186435419-A-C.
Other names: c.161+5T>G (NM_001257963.2); c.398+5T>G (NM_001257962.2); c.518+438T>G (NM_001114107.5).
Identifiers: ClinVar variation 1482733 (VCV001482733.6), dbSNP rs2153335451, ClinGen allele CA2573138182.

ClinVar aggregate classification (germline): Uncertain significance (1 of 4 stars; one submission).

Conditions:
Hypertrophic cardiomyopathy. Also called: HYPERTROPHIC MYOCARDIOPATHY. Identifiers: Orphanet 217569, MedGen C0007194, MeSH D002312, MONDO:0005045, HP:0001639.
Primary dilated cardiomyopathy (DCM). Also called: Dilated Cardiomyopathy. Identifiers: Orphanet 217604, MedGen C0007193, MeSH D002311, MONDO:0005021, HP:0001644. Inheritance: Various modes of inheritance.

Submission:

Labcorp Genetics (formerly Invitae), Labcorp
Classification: Uncertain significance for Hypertrophic cardiomyopathy; Primary dilated cardiomyopathy. Last evaluated: 2021-06-11. Review status: criteria provided, single submitter. Criteria: Invitae Variant Classification Sherloc (09022015). Collection method: clinical testing. Allele origin: germline.
Comment: This sequence change falls in intron 4 of the PDLIM3 gene. It does not directly change the encoded amino acid sequence of the PDLIM3 protein. It affects a nucleotide within the consensus splice site of the intron. This variant is not present in population databases (ExAC no frequency). This variant has not been reported in the literature in individuals with PDLIM3-related conditions. Nucleotide substitutions within the consensus splice site are a relatively common cause of aberrant splicing (PMID: 17576681, 9536098). Algorithms developed to predict the effect of sequence changes on RNA splicing suggest that this variant may create or strengthen a splice site, but this prediction has not been confirmed by published transcriptional studies. In summary, the available evidence is currently insufficient to determine the role of this variant in disease. Therefore, it has been classified as a Variant of Uncertain Significance.

Literature cited by the submitters: PubMed 17576681; PubMed 9536098.